The following is an entry in ClinVar:

NM_000518.5(HBB):c.235C>A (p.Leu79Met)

Genes: HBB (hemoglobin subunit beta; minus strand), LOC106099062 (HBB recombination region; plus strand), LOC107133510 (origin of replication at HBB; plus strand). Cytogenetic location: 11p15.4.
Variant type: single nucleotide variant.
Coding change: c.235C>A on transcript NM_000518.5 (MANE Select); coding-DNA position 235, C replaced by A.
Protein change: p.Leu79Met; replaces leucine 79 with methionine.
Molecular consequence: missense variant.
Genome position (GRCh38, 1-based): chr11:5,226,657, G>T on the plus strand (C>A on the coding strand, the complement: HBB is on the minus strand). VCF-style: chr11-5226657-G-T. GRCh37 (hg19) VCF-style: chr11-5247887-G-T.
Other names: short protein forms L79M.
Identifiers: ClinVar variation 4853074 (VCV004853074.1).

ClinVar aggregate classification (germline): Uncertain significance (1 of 4 stars; one submission).

Submission:

Women's Health and Genetics/Laboratory Corporation of America, LabCorp
Classification: Uncertain significance. Last evaluated: 2026-05-14. Review status: criteria provided, single submitter. Criteria: LabCorp Variant Classification Summary - May 2015. Collection method: clinical testing. Allele origin: germline.
Comment: Variant summary: HBB c.235C>A (p.Leu79Met) results in a conservative amino acid change in the encoded protein sequence. Algorithms developed to predict the effect of missense changes on protein structure and function are either unavailable or do not agree on the potential impact of this missense change. The variant was absent in 251428 control chromosomes. The available data on variant occurrences in the general population are insufficient to allow any conclusion about variant significance. To our knowledge, no occurrence of c.235C>A in individuals affected with HBB-related conditions and no experimental evidence demonstrating its impact on protein function have been reported. No submitters have cited clinical-significance assessments for this variant to ClinVar. Based on the evidence outlined above, the variant was classified as uncertain significance.